The following is an entry in ClinVar:

ClinVar aggregate classification (germline): Pathogenic (1 of 4 stars; one submission).

Conditions:
Vici syndrome (VICIS). Identifiers: Orphanet 1493, MedGen C1855772, MONDO:0009452, OMIM 242840.

Submission:

Rady Children's Institute for Genomic Medicine, Rady Children's Hospital San Diego
Classification: Pathogenic for VICI SYNDROME. Last evaluated: 2019-11-01. Review status: criteria provided, single submitter. Criteria: ACMG Guidelines, 2015. Collection method: clinical testing. Allele origin: germline. Affected: yes.
Comment: This frameshifting variant in exon 32 of 44 introduces a premature stop codon and is therefore predicted to result in loss of normal protein function. This variant has not been previously reported or functionally characterized in the literature to our knowledge. However, multiple loss of function variants that lie further toward the C-terminal end of the EPG5 gene have been reported in individuals with Vici Syndrome (PMID: 23222957, 26917586). This variant is absent from the ExAC and gnomAD population databases and thus is presumed to be rare. Based on the available evidence, the c.5659_5660del (p.Asp1887GlnfsTer16) variant is classified as Pathogenic.

NM_020964.3(EPG5):c.5659_5660del (p.Asp1887fs)

Gene: EPG5 (ectopic P-granules 5 autophagy tethering factor; minus strand). Cytogenetic location: 18q12.3.
Variant type: Deletion.
Coding change: c.5659_5660del on transcript NM_020964.3 (MANE Select); coding-DNA positions 5659 to 5660, 2 bases deleted (GA; older notation c.5659_5660delGA).
Protein change: p.Asp1887fs; shifts the reading frame from aspartic acid 1887.
Molecular consequence: frameshift variant.
Genome position (GRCh38, 1-based): chr18:45,880,082-45,880,083, TC deleted on the plus strand (GA on the coding strand, the reverse complement: EPG5 is on the minus strand); deleting any 2 consecutive bases within chr18:45,880,082-45,880,084 gives the same sequence; the c. name uses the placement nearest the transcript's 3' end. VCF-style (leftmost placement, unchanged base first): chr18-45880081-GTC-G. GRCh37 (hg19) VCF-style: chr18-43460046-GTC-G.
Other names: short protein forms D1887fs.
Identifiers: ClinVar variation 984930 (VCV000984930.2), dbSNP rs2049058963, ClinGen allele CA1139666048.